The following is an entry in ClinVar:

ClinVar aggregate classification (germline): Uncertain significance (1 of 4 stars; one submission).

Allele frequency attached by ClinVar (database versions not stated): gnomAD exomes below 0.00001 and 0.00001; ExAC 0.00001; gnomAD 0.00002; TOPMed 0.00003.
gnomAD v4.1: 5 of 1,613,862 alleles (0.00031%); highest among the groups gnomAD compares: African/African-American, 0.0053%; no homozygotes.

Submission:

GeneDx
Classification: Uncertain significance. Last evaluated: 2020-10-12. Review status: criteria provided, single submitter. Criteria: GeneDx Variant Classification Process June 2021. Collection method: clinical testing. Allele origin: germline. Affected: yes.
Comment: In silico analysis supports that this missense variant has a deleterious effect on protein structure/function; Has not been previously published as pathogenic or benign to our knowledge

NM_018896.5(CACNA1G):c.2686G>C (p.Asp896His)

Gene: CACNA1G (calcium voltage-gated channel subunit alpha1 G; plus strand). Cytogenetic location: 17q21.33.
Variant type: single nucleotide variant.
Coding change: c.2686G>C on transcript NM_018896.5 (MANE Select); coding-DNA position 2686, G replaced by C.
Protein change: p.Asp896His; replaces aspartic acid 896 with histidine.
Molecular consequence: missense variant. On other transcripts: non-coding transcript variant (5).
Genome position (GRCh38, 1-based): chr17:50,591,785, G>C. VCF-style: chr17-50591785-G-C. GRCh37 (hg19) VCF-style: chr17-48669146-G-C.
Other names: c.2686G>C, p.Asp896His (NM_001256324.2, NM_001256325.2, NM_001256326.2 and 24 more transcripts); short protein forms D896H.
Identifiers: ClinVar variation 1313277 (VCV001313277.2), dbSNP rs775432895, ClinGen allele CA8652499.